The following is an entry in ClinVar:

ClinVar aggregate classification (germline): Uncertain significance (1 of 4 stars; one submission).

Conditions:
Renal cell carcinoma. Identifiers: Orphanet 217071, MedGen C0007134, MeSH D002292, MONDO:0005086, HP:0005584.

Allele frequency attached by ClinVar (database versions not stated): gnomAD exomes below 0.00001.
gnomAD v4.1: 1 of 1,614,186 alleles (0.000062%); highest among the groups gnomAD compares: Non-Finnish European, 0.000085%; no homozygotes.

Submission:

Labcorp Genetics (formerly Invitae), Labcorp
Classification: Uncertain significance for Renal cell carcinoma. Last evaluated: 2025-04-14. Review status: criteria provided, single submitter. Criteria: Invitae Variant Classification Sherloc (09022015). Collection method: clinical testing. Allele origin: germline.
Comment: This sequence change replaces glutamic acid, which is acidic and polar, with lysine, which is basic and polar, at codon 1332 of the MET protein (p.Glu1332Lys). This variant is present in population databases (no rsID available, gnomAD 0.0009%). This variant has not been reported in the literature in individuals affected with MET-related conditions. ClinVar contains an entry for this variant (Variation ID: 955839). Invitae Evidence Modeling of protein sequence and biophysical properties (such as structural, functional, and spatial information, amino acid conservation, physicochemical variation, residue mobility, and thermodynamic stability) indicates that this missense variant is not expected to disrupt MET protein function with a negative predictive value of 80%. In summary, the available evidence is currently insufficient to determine the role of this variant in disease. Therefore, it has been classified as a Variant of Uncertain Significance.

NM_000245.4(MET):c.3940G>A (p.Glu1314Lys)

Gene: MET (MET proto-oncogene, receptor tyrosine kinase; plus strand). Cytogenetic location: 7q31.2.
Variant type: single nucleotide variant.
Coding change: c.3940G>A on transcript NM_000245.4 (MANE Select); coding-DNA position 3940, G replaced by A.
Protein change: p.Glu1314Lys; replaces glutamic acid 1314 with lysine.
Molecular consequence: missense variant.
Genome position (GRCh38, 1-based): chr7:116,795,891, G>A. VCF-style: chr7-116795891-G-A. GRCh37 (hg19) VCF-style: chr7-116435945-G-A.
Other names: c.3994G>A, p.Glu1332Lys (NM_001127500.3); c.2650G>A, p.Glu884Lys (NM_001324402.2); short protein forms E1314K, E884K, E1332K.
Identifiers: ClinVar variation 955839 (VCV000955839.9), dbSNP rs1395763398, ClinGen allele CA369118048.
Genomic context (GRCh38, chr7:116,795,891, plus strand): 5'-ACAGAAATGCCTGCCTTCAAAGGGTCTCTTACAGCATGTCTTTCTTTTTGGAACAGATAT[G>A]AAGTAATGCTAAAATGCTGGCACCCTAAAGCCGAAATGCGCCCATCCTTTTCTGAACTGG-3'
Protein context (NP_000236.2, residues 1304-1324): QPEYCPDPLY[Glu1314Lys]VMLKCWHPKA